The following is an entry in ClinVar:

NM_001184.4(ATR):c.530G>A (p.Arg177Gln)

Gene: ATR (ATR checkpoint kinase; minus strand). Cytogenetic location: 3q23.
Variant type: single nucleotide variant.
Coding change: c.530G>A on transcript NM_001184.4 (MANE Select); coding-DNA position 530, G replaced by A.
Protein change: p.Arg177Gln; replaces arginine 177 with glutamine.
Molecular consequence: missense variant.
Genome position (GRCh38, 1-based): chr3:142,562,872, C>T on the plus strand (G>A on the coding strand, the complement: ATR is on the minus strand). VCF-style: chr3-142562872-C-T. GRCh37 (hg19) VCF-style: chr3-142281714-C-T.
Other names: c.530G>A, p.Arg177Gln (NM_001354579.2); short protein forms R177Q.
Identifiers: ClinVar variation 813683 (VCV000813683.10), dbSNP rs532495501, ClinGen allele CA84755874.

ClinVar aggregate classification (germline): Uncertain significance. Review status: criteria provided, single submitter (1 of 4 stars). 2 submissions from 2 submitters: Uncertain significance (1). 1 of the submissions does not count toward it. Last evaluated 2023-12-12.

Conditions:
Microcephaly. Also called: Microcephaly (disease). Identifiers: MedGen C4551563, MONDO:0001149, HP:0000252.

Allele frequency attached by ClinVar (database versions not stated): TOPMed below 0.00001; gnomAD 0.00001; gnomAD exomes 0.00001; 1000 Genomes Project 30x 0.00016; 1000 Genomes Project 0.00020.
gnomAD v4.1: 25 of 1,610,584 alleles (0.0016%); highest among the groups gnomAD compares: African/African-American, 0.0027%; no homozygotes.

Submissions (2):

Labcorp Genetics (formerly Invitae), Labcorp
Classification: Uncertain significance. Last evaluated: 2023-12-12. Review status: criteria provided, single submitter. Criteria: Invitae Variant Classification Sherloc (09022015). Collection method: clinical testing. Allele origin: germline.
Comment: This sequence change replaces arginine, which is basic and polar, with glutamine, which is neutral and polar, at codon 177 of the ATR protein (p.Arg177Gln). This variant is present in population databases (rs532495501, gnomAD 0.004%). This variant has not been reported in the literature in individuals affected with ATR-related conditions. ClinVar contains an entry for this variant (Variation ID: 813683). An algorithm developed to predict the effect of missense changes on protein structure and function (PolyPhen-2) suggests that this variant is likely to be tolerated. In summary, the available evidence is currently insufficient to determine the role of this variant in disease. Therefore, it has been classified as a Variant of Uncertain Significance.

Department of Pediatrics, Samsung Medical Center, Samsung Medical Center
Classification: Uncertain significance for Microcephaly. Review status: no assertion criteria provided. Criteria: ACMG Guidelines, 2015. Collection method: research. Allele origin: germline. Affected: yes. Not counted in ClinVar's aggregate classification.